The following is an entry in ClinVar:

NM_006939.4(SOS2):c.583G>A (p.Gly195Ser)

Gene: SOS2 (SOS Ras/Rho guanine nucleotide exchange factor 2; minus strand). Cytogenetic location: 14q21.3.
Variant type: single nucleotide variant.
Coding change: c.583G>A on transcript NM_006939.4 (MANE Select); coding-DNA position 583, G replaced by A.
Protein change: p.Gly195Ser; replaces glycine 195 with serine.
Molecular consequence: missense variant.
Genome position (GRCh38, 1-based): chr14:50,188,628, C>T on the plus strand (G>A on the coding strand, the complement: SOS2 is on the minus strand). VCF-style: chr14-50188628-C-T. GRCh37 (hg19) VCF-style: chr14-50655346-C-T.
Other names: c.583G>A, p.Gly195Ser (NM_001411020.1); short protein forms G195S.
Identifiers: ClinVar variation 1979630 (VCV001979630.4), dbSNP rs1886004857, ClinGen allele CA389648218.

ClinVar aggregate classification (germline): Uncertain significance (1 of 4 stars; one submission).

Conditions:
Noonan syndrome 9 (NS9). Identifiers: Orphanet 648, MedGen C4225282, MONDO:0014691, OMIM 616559.

Allele frequency attached by ClinVar (database versions not stated): gnomAD exomes below 0.00001.
gnomAD v4.1: 6 of 1,609,930 alleles (0.00037%); highest among the groups gnomAD compares: Non-Finnish European, 0.00051%; no homozygotes.

Submission:

Labcorp Genetics (formerly Invitae), Labcorp
Classification: Uncertain significance for Noonan syndrome 9. Last evaluated: 2022-02-02. Review status: criteria provided, single submitter. Criteria: Invitae Variant Classification Sherloc (09022015). Collection method: clinical testing. Allele origin: germline.
Comment: In summary, the available evidence is currently insufficient to determine the role of this variant in disease. Therefore, it has been classified as a Variant of Uncertain Significance. Algorithms developed to predict the effect of missense changes on protein structure and function (SIFT, PolyPhen-2, Align-GVGD) all suggest that this variant is likely to be tolerated. This variant has not been reported in the literature in individuals affected with SOS2-related conditions. This variant is not present in population databases (gnomAD no frequency). This sequence change replaces glycine, which is neutral and non-polar, with serine, which is neutral and polar, at codon 195 of the SOS2 protein (p.Gly195Ser).